The following is an entry in ClinVar:

NM_001368067.1(LDB3):c.358G>A (p.Glu120Lys)

Genes: LDB3 (LIM domain binding 3; plus strand), LOC110121486 (VISTA enhancer hs2143; plus strand). Cytogenetic location: 10q23.2.
Variant type: single nucleotide variant.
Coding change: c.358G>A on transcript NM_001368067.1 (MANE Plus Clinical); coding-DNA position 358, G replaced by A.
Protein change: p.Glu120Lys; replaces glutamic acid 120 with lysine.
Molecular consequence: missense variant. On other transcripts: intron variant (5).
Genome position (GRCh38, 1-based): chr10:86,687,082, G>A. VCF-style: chr10-86687082-G-A. GRCh37 (hg19) VCF-style: chr10-88446839-G-A.
Other names: c.358G>A, p.Glu120Lys (NM_001080114.2, NM_001080116.1, NM_001368066.1 and 1 more transcripts); c.703G>A, p.Glu235Lys (NM_001171610.2, NM_001171611.2); c.690-4814G>A (NM_001368064.1, NM_001368063.1, NM_007078.3 and 2 more transcripts); short protein forms E120K, E235K.
Identifiers: ClinVar variation 1422447 (VCV001422447.8), dbSNP rs773370724, ClinGen allele CA211181094.

ClinVar aggregate classification (germline): Uncertain significance. Review status: criteria provided, multiple submitters, no conflicts (2 of 4 stars). 2 submissions from 2 submitters: Uncertain significance (2). Last evaluated 2022-06-28.

Conditions:
Myofibrillar myopathy 4. Also called: Zaspopathy (type). Identifiers: Orphanet 98912, MedGen C4721886, MONDO:0012277, OMIM 609452.

Allele frequency attached by ClinVar (database versions not stated): gnomAD exomes 0.00001; TOPMed 0.00001.
gnomAD v4.1: 9 of 1,613,872 alleles (0.00056%); highest among the groups gnomAD compares: South Asian, 0.0022%; no homozygotes.

Submissions (2):

Labcorp Genetics (formerly Invitae), Labcorp
Classification: Uncertain significance for Myofibrillar myopathy 4. Last evaluated: 2022-06-28. Review status: criteria provided, single submitter. Criteria: Invitae Variant Classification Sherloc (09022015). Collection method: clinical testing. Allele origin: germline.
Comment: In summary, the available evidence is currently insufficient to determine the role of this variant in disease. Therefore, it has been classified as a Variant of Uncertain Significance. Algorithms developed to predict the effect of missense changes on protein structure and function (SIFT, PolyPhen-2, Align-GVGD) all suggest that this variant is likely to be tolerated. This variant has not been reported in the literature in individuals affected with LDB3-related conditions. This variant is not present in population databases (gnomAD no frequency). This sequence change replaces glutamic acid, which is acidic and polar, with lysine, which is basic and polar, at codon 120 of the LDB3 protein (p.Glu120Lys).

Revvity Omics, Revvity
Classification: Uncertain significance. Last evaluated: 2019-07-10. Review status: criteria provided, single submitter. Criteria: ACMG Guidelines, 2015. Collection method: clinical testing. Allele origin: germline.